The following is an entry in ClinVar:

ClinVar aggregate classification (germline): Uncertain significance (1 of 4 stars; one submission).

Submission:

GeneDx
Classification: Uncertain significance. Last evaluated: 2026-07-16. Review status: criteria provided, single submitter. Criteria: GeneDx Variant Classification Process June 2021. Collection method: clinical testing. Allele origin: germline.
Comment: Not observed at significant frequency in large population cohorts (gnomAD); In silico analysis supports that this missense variant has a deleterious effect on protein structure/function; Has not been previously published as pathogenic or benign to our knowledge

NM_001134407.3(GRIN2A):c.2834A>G (p.Asp945Gly)

Gene: GRIN2A (glutamate ionotropic receptor NMDA type subunit 2A; minus strand). Cytogenetic location: 16p13.2.
Variant type: single nucleotide variant.
Coding change: c.2834A>G on transcript NM_001134407.3 (MANE Select); coding-DNA position 2834, A replaced by G.
Protein change: p.Asp945Gly; replaces aspartic acid 945 with glycine.
Molecular consequence: missense variant.
Genome position (GRCh38, 1-based): chr16:9,764,710, T>C on the plus strand (A>G on the coding strand, the complement: GRIN2A is on the minus strand). VCF-style: chr16-9764710-T-C. GRCh37 (hg19) VCF-style: chr16-9858567-T-C.
Other names: c.2834A>G, p.Asp945Gly (NM_000833.5, NM_001134408.2); short protein forms D945G.
Identifiers: ClinVar variation 3899159 (VCV003899159.2).